The following is an entry in ClinVar:

NM_015681.6(B9D1):c.-90C>A

Gene: B9D1 (B9 domain containing 1; minus strand). Cytogenetic location: 17p11.2.
Variant type: single nucleotide variant.
Coding change: c.-90C>A on transcript NM_015681.6 (MANE Select); 90 bases upstream of the start codon, C replaced by A.
Molecular consequence: 5 prime UTR variant. On other transcripts: intron variant (1).
Genome position (GRCh38, 1-based): chr17:19,362,659, G>T on the plus strand (C>A on the coding strand, the complement: B9D1 is on the minus strand). VCF-style: chr17-19362659-G-T. GRCh37 (hg19) VCF-style: chr17-19265972-G-T.
Other names: NM_001243473.2:c.63C>A; c.-90C>A (NM_001321214.2, NM_001321215.3, NM_001321216.2 and 4 more transcripts); c.-297-2271C>A (NM_001368769.2).
Identifiers: ClinVar variation 3048032 (VCV003048032.3), dbSNP rs745309244, ClinGen allele CA625100261.
Genomic context (GRCh38, chr17:19,362,659, plus strand): 5'-CCTAGGCCGCGCGCGGTTGCTAAGAGACGCCGGCGTTGCCCTAGAAACAGACGGCGTAGC[G>T]CGCAGGACACGTTTCTTGGCAGCGACACCTTCGCGAAGGCCACGCGAGTGCGCGTGTGGC-3'

ClinVar aggregate classification (germline): Likely benign. Review status: criteria provided, single submitter (1 of 4 stars). 2 submissions from 2 submitters: Likely benign (1). 1 of the submissions does not count toward it. Last evaluated 2024-08-30.

Conditions:
B9D1-related disorder. Also called: B9D1-related condition; B9D1-related disorders.

Allele frequency attached by ClinVar (database versions not stated): gnomAD 0.00001.
gnomAD v4.1: 37 of 1,550,418 alleles (0.0024%); highest among the groups gnomAD compares: Middle Eastern, 0.017%; no homozygotes.

Submissions (2):

Blueprint Genetics
Classification: Likely benign. Last evaluated: 2024-08-30. Review status: criteria provided, single submitter. Criteria: ACMG Guidelines, 2015. Collection method: clinical testing. Allele origin: germline.

PreventionGenetics, part of Exact Sciences
Classification: Likely benign for B9D1-related condition. Last evaluated: 2019-12-16. Review status: no assertion criteria provided. Collection method: clinical testing. Allele origin: germline. Not counted in ClinVar's aggregate classification.
Comment: This variant is classified as likely benign based on ACMG/AMP sequence variant interpretation guidelines (Richards et al. 2015 PMID: 25741868, with internal and published modifications).